The following is an entry in ClinVar:

NM_022041.4(GAN):c.1148A>G (p.Asp383Gly)

Gene: GAN (gigaxonin; plus strand). Cytogenetic location: 16q23.2.
Variant type: single nucleotide variant.
Coding change: c.1148A>G on transcript NM_022041.4 (MANE Select); coding-DNA position 1148, A replaced by G.
Protein change: p.Asp383Gly; replaces aspartic acid 383 with glycine.
Molecular consequence: missense variant.
Genome position (GRCh38, 1-based): chr16:81,363,855, A>G. VCF-style: chr16-81363855-A-G. GRCh37 (hg19) VCF-style: chr16-81397460-A-G.
Other names: c.509A>G, p.Asp170Gly (NM_001377486.1); short protein forms D170G, D383G.
Identifiers: ClinVar variation 4752723 (VCV004752723.1).

ClinVar aggregate classification (germline): Uncertain significance (1 of 4 stars; one submission).

Conditions:
Giant axonal neuropathy 1 (GAN1). Also called: GIANT AXONAL NEUROPATHY 1, AUTOSOMAL RECESSIVE; GAN-Related Neurodegeneration. Identifiers: Orphanet 643, MedGen C1850386, MONDO:0009749, OMIM 256850.

gnomAD v4.1: 3 of 1,611,808 alleles (0.00019%); highest among the groups gnomAD compares: Non-Finnish European, 0.00025%; no homozygotes.

Submission:

Labcorp Genetics (formerly Invitae), Labcorp
Classification: Uncertain significance for Giant axonal neuropathy 1. Last evaluated: 2025-12-11. Review status: criteria provided, single submitter. Criteria: Invitae Variant Classification Sherloc (09022015). Collection method: clinical testing. Allele origin: germline.
Comment: This sequence change replaces aspartic acid, which is acidic and polar, with glycine, which is neutral and non-polar, at codon 383 of the GAN protein (p.Asp383Gly). This variant is not present in population databases (gnomAD no frequency). This variant has not been reported in the literature in individuals affected with GAN-related conditions. Invitae Evidence Modeling of protein sequence and biophysical properties (such as structural, functional, and spatial information, amino acid conservation, physicochemical variation, residue mobility, and thermodynamic stability) indicates that this missense variant is not expected to disrupt GAN protein function with a negative predictive value of 80%. Algorithms developed to predict the effect of sequence changes on RNA splicing suggest that this variant may disrupt the consensus splice site. In summary, the available evidence is currently insufficient to determine the role of this variant in disease. Therefore, it has been classified as a Variant of Uncertain Significance.